The following is an entry in ClinVar:

ClinVar aggregate classification (germline): Uncertain significance. Review status: criteria provided, multiple submitters, no conflicts (2 of 4 stars). 4 submissions from 4 submitters: Uncertain significance (4). Last evaluated 2025-08-14.

Conditions:
Wilson disease (WND). Also called: Wilson's disease. Identifiers: Orphanet 905, MedGen C0019202, MONDO:0010200, OMIM 277900. Disease mechanism: loss of function.
Inborn genetic diseases. Identifiers: MedGen C0950123, MeSH D030342.

Allele frequency attached by ClinVar (database versions not stated): ExAC 0.00002; gnomAD exomes 0.00002; gnomAD 0.00008; TOPMed 0.00008; 1000 Genomes Project 30x 0.00016; 1000 Genomes Project 0.00020.
gnomAD v4.1: 22 of 1,614,208 alleles (0.0014%); highest among the groups gnomAD compares: African/African-American, 0.027%; no homozygotes.

Submissions (4):

Color Diagnostics, LLC DBA Color Health
Classification: Uncertain significance for Wilson disease. Last evaluated: 2025-08-14. Review status: criteria provided, single submitter. Criteria: ACMG Guidelines, 2015. Collection method: clinical testing. Allele origin: germline.
Comment: This missense variant replaces alanine with serine at codon 775 of the ATP7B protein. Computational prediction suggests that this variant may not impact protein structure and function. To our knowledge, functional studies have not been reported for this variant. This variant has not been reported in individuals affected with Wilson disease in the literature. This variant has been identified in 10/280904 chromosomes in the general population by the Genome Aggregation Database (gnomAD). The available evidence is insufficient to determine the role of this variant in disease conclusively. Therefore, this variant is classified as a Variant of Uncertain Significance.

All of Us Research Program, National Institutes of Health
Classification: Uncertain significance for Wilson disease. Last evaluated: 2024-07-10. Review status: criteria provided, single submitter. Criteria: ACMG Guidelines, 2015. Collection method: clinical testing. Allele origin: germline. Inheritance: Autosomal recessive inheritance. Observed: 8 variant alleles, 8 heterozygotes.
Comment: This missense variant replaces alanine with serine at codon 775 of the ATP7B protein. Computational prediction suggests that this variant may not impact protein structure and function (internally defined REVEL score threshold <= 0.5, PMID: 27666373). To our knowledge, functional studies have not been reported for this variant. This variant has not been reported in individuals affected with Wilson disease in the literature. This variant has been identified in 10/280904 chromosomes in the general population by the Genome Aggregation Database (gnomAD). The available evidence is insufficient to determine the role of this variant in disease conclusively. Therefore, this variant is classified as a Variant of Uncertain Significance.

This study involves interpretation of variants in research participants for the purpose of population health screening. Participant phenotype was not available at the time of variant classification. Additional details can be found in publication PMID: 35346344, PMCID: PMC8962531

Labcorp Genetics (formerly Invitae), Labcorp
Classification: Uncertain significance for Wilson disease. Last evaluated: 2021-12-03. Review status: criteria provided, single submitter. Criteria: Invitae Variant Classification Sherloc (09022015). Collection method: clinical testing. Allele origin: germline.
Comment: This sequence change replaces alanine, which is neutral and non-polar, with serine, which is neutral and polar, at codon 775 of the ATP7B protein (p.Ala775Ser). This variant is present in population databases (rs535217574, gnomAD 0.04%). This variant has not been reported in the literature in individuals affected with ATP7B-related conditions. Advanced modeling of protein sequence and biophysical properties (such as structural, functional, and spatial information, amino acid conservation, physicochemical variation, residue mobility, and thermodynamic stability) performed at Invitae indicates that this missense variant is not expected to disrupt ATP7B protein function. In summary, the available evidence is currently insufficient to determine the role of this variant in disease. Therefore, it has been classified as a Variant of Uncertain Significance.

Ambry Genetics
Classification: Uncertain significance for Inborn genetic diseases. Last evaluated: 2021-07-13. Review status: criteria provided, single submitter. Criteria: Ambry Variant Classification Scheme 2023. Collection method: clinical testing. Allele origin: germline.

NM_000053.4(ATP7B):c.2323G>T (p.Ala775Ser)

Gene: ATP7B (ATPase copper transporting beta; minus strand). Cytogenetic location: 13q14.3.
Variant type: single nucleotide variant.
Coding change: c.2323G>T on transcript NM_000053.4 (MANE Select); coding-DNA position 2323, G replaced by T.
Protein change: p.Ala775Ser; replaces alanine 775 with serine.
Molecular consequence: missense variant. On other transcripts: intron variant (2).
Genome position (GRCh38, 1-based): chr13:51,958,343, C>A on the plus strand (G>T on the coding strand, the complement: ATP7B is on the minus strand). VCF-style: chr13-51958343-C-A. GRCh37 (hg19) VCF-style: chr13-52532479-C-A.
Other names: c.2323G>T (NM_000053.3); c.1990G>T, p.Ala664Ser (NM_001243182.2); c.2071G>T, p.Ala691Ser (NM_001330579.2); c.1870-736G>T (NM_001005918.3); c.2122-736G>T (NM_001330578.2); short protein forms A775S, A664S, A691S.
Identifiers: ClinVar variation 1479169 (VCV001479169.9), dbSNP rs535217574, ClinGen allele CA6989061.